The following is an entry in ClinVar:

ClinVar aggregate classification (germline): Benign/Likely benign. Review status: criteria provided, multiple submitters, no conflicts (2 of 4 stars). 3 submissions from 3 submitters: Benign (1); Likely benign (1). 1 of the submissions does not count toward it. Last evaluated 2026-01-11.

Conditions:
ERBIN-related disorder. Also called: ERBIN-related condition.

Allele frequency attached by ClinVar (database versions not stated): 1000 Genomes Project 30x 0.00172; gnomAD 0.00147 and 0.00136; TOPMed 0.00151; 1000 Genomes Project 0.00160; gnomAD exomes 0.00011 and 0.00025; ExAC 0.00026; ESP Exome Variant Server 0.00100.
gnomAD v4.1: 373 of 1,609,626 alleles (0.023%); highest among the groups gnomAD compares: African/African-American, 0.44%; no homozygotes.

Submissions (3):

Labcorp Genetics (formerly Invitae), Labcorp
Classification: Benign. Last evaluated: 2026-01-11. Review status: criteria provided, single submitter. Criteria: Invitae Variant Classification Sherloc (09022015). Collection method: clinical testing. Allele origin: germline.

Blueprint Genetics
Classification: Likely benign. Last evaluated: 2024-03-11. Review status: criteria provided, single submitter. Criteria: ACMG Guidelines, 2015. Collection method: clinical testing. Allele origin: germline.

PreventionGenetics, part of Exact Sciences
Classification: Likely benign for ERBIN-related condition. Last evaluated: 2019-11-18. Review status: no assertion criteria provided. Collection method: clinical testing. Allele origin: germline. Not counted in ClinVar's aggregate classification.
Comment: This variant is classified as likely benign based on ACMG/AMP sequence variant interpretation guidelines (Richards et al. 2015 PMID: 25741868, with internal and published modifications).

NM_001253697.2(ERBIN):c.822G>A (p.Ser274=)

Gene: ERBIN (erbb2 interacting protein; plus strand). Cytogenetic location: 5q12.3.
Variant type: single nucleotide variant.
Coding change: c.822G>A on transcript NM_001253697.2 (MANE Select); coding-DNA position 822, G replaced by A.
Protein change: p.Ser274=; no amino-acid change (serine 274 retained).
Molecular consequence: synonymous variant.
Genome position (GRCh38, 1-based): chr5:66,025,484, G>A. VCF-style: chr5-66025484-G-A. GRCh37 (hg19) VCF-style: chr5-65321312-G-A.
Other names: c.822G>A (NM_001006600.2); c.822G>A, p.Ser274= (NM_001006600.3, NM_001253698.2, NM_001253699.2 and 2 more transcripts).
Identifiers: ClinVar variation 771374 (VCV000771374.12), dbSNP rs142892262, ClinGen allele CA3286060.